The following is an entry in ClinVar:

ClinVar aggregate classification (germline): Uncertain significance. Review status: criteria provided, multiple submitters, no conflicts (2 of 4 stars). 2 submissions from 2 submitters: Uncertain significance (2). Last evaluated 2025-01-09.

Conditions:
Inborn genetic diseases. Identifiers: MedGen C0950123, MeSH D030342.

Allele frequency attached by ClinVar (database versions not stated): gnomAD 0.00001; gnomAD exomes 0.00001.
gnomAD v4.1: 6 of 1,613,478 alleles (0.00037%); highest among the groups gnomAD compares: Non-Finnish European, 0.00051%; no homozygotes.

Submissions (2):

Ambry Genetics
Classification: Uncertain significance for Inborn genetic diseases. Last evaluated: 2025-01-09. Review status: criteria provided, single submitter. Criteria: Ambry Variant Classification Scheme 2023. Collection method: clinical testing. Allele origin: germline.
Comment: The p.P1477S variant (also known as c.4429C>T), located in coding exon 1 of the SAMD9 gene, results from a C to T substitution at nucleotide position 4429. The proline at codon 1477 is replaced by serine, an amino acid with similar properties. This amino acid position is conserved. In addition, this alteration is predicted to be tolerated by in silico analysis. Based on the available evidence, the clinical significance of this variant remains unclear.

GeneDx
Classification: Uncertain significance. Last evaluated: 2023-01-19. Review status: criteria provided, single submitter. Criteria: GeneDx Variant Classification Process June 2021. Collection method: clinical testing. Allele origin: germline. Affected: yes.
Comment: Not observed at significant frequency in large population cohorts (gnomAD); In silico analysis supports that this missense variant has a deleterious effect on protein structure/function; Has not been previously published as pathogenic or benign to our knowledge

NM_017654.4(SAMD9):c.4429C>T (p.Pro1477Ser)

Gene: SAMD9 (sterile alpha motif domain containing 9; minus strand). Cytogenetic location: 7q21.2.
Variant type: single nucleotide variant.
Coding change: c.4429C>T on transcript NM_017654.4 (MANE Select); coding-DNA position 4429, C replaced by T.
Protein change: p.Pro1477Ser; replaces proline 1477 with serine.
Molecular consequence: missense variant.
Genome position (GRCh38, 1-based): chr7:93,101,669, G>A on the plus strand (C>T on the coding strand, the complement: SAMD9 is on the minus strand). VCF-style: chr7-93101669-G-A. GRCh37 (hg19) VCF-style: chr7-92730982-G-A.
Other names: c.4429C>T, p.Pro1477Ser (NM_001193307.2); short protein forms P1477S.
Identifiers: ClinVar variation 2573985 (VCV002573985.2), dbSNP rs1029597437, ClinGen allele CA161989353.